The following is an entry in ClinVar:

ClinVar aggregate classification (germline): Uncertain significance. Review status: criteria provided, multiple submitters, no conflicts (2 of 4 stars). 3 submissions from 3 submitters: Uncertain significance (2). 1 of the submissions does not count toward it. Last evaluated 2021-12-24.

Conditions:
Familial Mediterranean fever (FMF). Also called: POLYSEROSITIS, FAMILIAL PAROXYSMAL; POLYSEROSITIS, RECURRENT; Periodic peritonitis; Benign paroxysmal peritonitis. Identifiers: Orphanet 342, MedGen C0031069, MONDO:0018088, OMIM 249100. Disease mechanism: gain of function.

Submissions (3):

Labcorp Genetics (formerly Invitae), Labcorp
Classification: Uncertain significance for Familial Mediterranean fever. Last evaluated: 2021-12-24. Review status: criteria provided, single submitter. Criteria: Invitae Variant Classification Sherloc (09022015). Collection method: clinical testing. Allele origin: germline.
Comment: This sequence change replaces proline, which is neutral and non-polar, with glutamine, which is neutral and polar, at codon 180 of the MEFV protein (p.Pro180Gln). The frequency data for this variant in the population databases is considered unreliable, as metrics indicate poor data quality at this position in the gnomAD database. This variant has not been reported in the literature in individuals affected with MEFV-related conditions. ClinVar contains an entry for this variant (Variation ID: 265233). Algorithms developed to predict the effect of missense changes on protein structure and function (SIFT, PolyPhen-2, Align-GVGD) all suggest that this variant is likely to be tolerated. In summary, the available evidence is currently insufficient to determine the role of this variant in disease. Therefore, it has been classified as a Variant of Uncertain Significance.

Women's Health and Genetics/Laboratory Corporation of America, LabCorp
Classification: Uncertain significance. Last evaluated: 2021-04-17. Review status: criteria provided, single submitter. Criteria: LabCorp Variant Classification Summary - May 2015. Collection method: clinical testing. Allele origin: germline.
Comment: Variant summary: MEFV c.539C>A (p.Pro180Gln) results in a non-conservative amino acid change in the encoded protein sequence. Four of five in-silico tools predict a benign effect of the variant on protein function. The variant allele was found at a frequency of 1.3e-05 in 156302 control chromosomes. The available data on variant occurrences in the general population are insufficient to allow any conclusion about variant significance. To our knowledge, no occurrence of c.539C>A in individuals affected with Familial Mediterranean Fever and no experimental evidence demonstrating its impact on protein function have been reported. No clinical diagnostic laboratories have submitted clinical-significance assessments for this variant to ClinVar after 2014. Based on the evidence outlined above, the variant was classified as uncertain significance.

Natera, Inc.
Classification: Uncertain significance for Familial Mediterranean fever. Last evaluated: 2020-02-05. Review status: no assertion criteria provided. Collection method: clinical testing. Allele origin: germline. Not counted in ClinVar's aggregate classification.

Literature cited by the submitters: PubMed 28421071 (cited by Women's Health and Genetics/Laboratory Corporation of America, LabCorp).

NM_000243.3(MEFV):c.539C>A (p.Pro180Gln)

Gene: MEFV (MEFV innate immunity regulator, pyrin; minus strand). Cytogenetic location: 16p13.3.
Variant type: single nucleotide variant.
Coding change: c.539C>A on transcript NM_000243.3 (MANE Select); coding-DNA position 539, C replaced by A.
Protein change: p.Pro180Gln; replaces proline 180 with glutamine.
Molecular consequence: missense variant. On other transcripts: intron variant (1).
Genome position (GRCh38, 1-based): chr16:3,254,529, G>T on the plus strand (C>A on the coding strand, the complement: MEFV is on the minus strand). VCF-style: chr16-3254529-G-T. GRCh37 (hg19) VCF-style: chr16-3304529-G-T.
Other names: c.277+1782C>A (NM_001198536.2); short protein forms P180Q.
Identifiers: ClinVar variation 265233 (VCV000265233.4), dbSNP rs104895134, ClinGen allele CA10588616.
Genomic context (GRCh38, chr16:3,254,529, plus strand): 5'-TCGGCCTGGCCCCCCTCTAGCGCCCTGCAGGGGCCGGGGCTTCTCCCGCCCGGCAGGGCC[G>T]GGCTCCGGGTCCGAGGCTTGCCCTGCGCGTCCAGGCCCTCCGAGGCCTTCTCTCTGCGTT-3'
Protein context (NP_000234.1, residues 170-190): DAQGKPRTRS[Pro180Gln]ALPGGRSPGP